The following is an entry in ClinVar:

NM_000478.6(ALPL):c.697G>A (p.Asp233Asn)

Gene: ALPL (alkaline phosphatase, biomineralization associated; plus strand). Cytogenetic location: 1p36.12.
Variant type: single nucleotide variant.
Coding change: c.697G>A on transcript NM_000478.6 (MANE Select); coding-DNA position 697, G replaced by A.
Protein change: p.Asp233Asn; replaces aspartic acid 233 with asparagine.
Molecular consequence: missense variant.
Genome position (GRCh38, 1-based): chr1:21,568,152, G>A. VCF-style: chr1-21568152-G-A. GRCh37 (hg19) VCF-style: chr1-21894645-G-A.
Other names: c.532G>A, p.Asp178Asn (NM_001127501.4); c.466G>A, p.Asp156Asn (NM_001177520.3); c.697G>A, p.Asp233Asn (NM_001369803.2, NM_001369804.2, NM_001369805.2); short protein forms D156N, D178N, D233N.
Identifiers: ClinVar variation 3377393 (VCV003377393.2).

ClinVar aggregate classification (germline): Conflicting classifications of pathogenicity. Review status: criteria provided, conflicting classifications (1 of 4 stars). 2 submissions from 2 submitters: Likely pathogenic (1); Uncertain significance (1). Last evaluated 2023-12-27.

Conditions:
Childhood hypophosphatasia. Identifiers: Orphanet 247667, Orphanet 436, MedGen C0220743, MONDO:1010168, OMIM 241510, MONDO:0009428.
Adult hypophosphatasia. Identifiers: Orphanet 247676, Orphanet 436, MedGen C0268413, MONDO:1010154, OMIM 146300, MONDO:0007798.
Infantile hypophosphatasia. Identifiers: Orphanet 247651, Orphanet 436, MedGen C0268412, MONDO:1010169, OMIM 241500, MONDO:0009427.

Submissions (2):

Fulgent Genetics
Classification: Uncertain significance for Adult hypophosphatasia; Infantile hypophosphatasia; Childhood hypophosphatasia. Last evaluated: 2023-12-27. Review status: criteria provided, single submitter. Criteria: ACMG Guidelines, 2015. Collection method: clinical testing. Allele origin: germline.

Victorian Clinical Genetics Services, Murdoch Childrens Research Institute
Classification: Likely pathogenic for Childhood hypophosphatasia. Last evaluated: 2022-09-02. Review status: criteria provided, single submitter. Criteria: ACMG Guidelines, 2015. Collection method: clinical testing. Allele origin: germline. Inheritance: Autosomal recessive inheritance. Affected: yes.
Comment: Based on the classification scheme VCGS_Germline_v1.3.4, this variant is classified as likely pathogenic. Following criteria are met: 0103 - Dominant negative and loss of function are known mechanisms of disease in this gene. Late-onset/mild disease is associated with monoallelic dominant negative variants or biallelic loss of function variants that retain residual enzyme activity, while early-onset/severe disease is caused by more complete loss of function variants (PMIDs: 20301329, 19500388). (I) 0108 - This gene is associated with both recessive and dominant disease. Severe forms of hypophosphatasia (perinatal and infantile) are generally associated with autosomal recessive disease, while the milder forms of hypophosphatasia (childhood, adult and odontohypophosphatasia) have been associated with both autosomal dominant and recessive disease (PMID: 19500388, 23688511). (I) 0112 - The condition associated with this gene has incomplete penetrance (PMID: 20301329). (I) 0115 - Variants in this gene are known to have variable expressivity (PMID: 20301329). (I) 0200 - Variant is predicted to result in a missense amino acid change from aspartic acid to asparagine. (I) 0251 - This variant is heterozygous. (I) 0301 - Variant is absent from gnomAD (both v2 and v3). (SP) 0501 - Missense variant consistently predicted to be damaging by multiple in silico tools or highly conserved with a major amino acid change. (SP) 0600 - Variant is located in the annotated alkaline phosphatase domain (DECIPHER). (I) 0704 - Another missense variant comparable to the one identified in this case has limited previous evidence for pathogenicity. p.(Asp233Glu) has been observed in one heterozygous individual with hypophosphatasia (PMID: 32879991). (SP) 0807 - This variant has no previous evidence of pathogenicity. (I) 0905 - No published segregation evidence has been identified for this variant. (I) 1007 - No published functional evidence has been identified for this variant. (I) 1101 - Very strong and specific phenotype match for this individual. (SP) 1201 - Heterozygous variant detected in trans with a second pathogenic heterozygous variant (NM_000478.5(ALPL):c.571G>A; p.(Glu191Lys)) in a recessive disease. (I) Legend: (SP) - Supporting pathogenic, (I) - Information, (SB) - Supporting benign

Literature cited by the submitters: PubMed 19500388 (cited by Victorian Clinical Genetics Services, Murdoch Childrens Research Institute); PubMed 20301329 (cited by Victorian Clinical Genetics Services, Murdoch Childrens Research Institute); PubMed 23688511 (cited by Victorian Clinical Genetics Services, Murdoch Childrens Research Institute); PubMed 32879991 (cited by Victorian Clinical Genetics Services, Murdoch Childrens Research Institute).